The following is an entry in ClinVar:

ClinVar aggregate classification (germline): Pathogenic/Likely pathogenic. Review status: criteria provided, multiple submitters, no conflicts (2 of 4 stars). 2 submissions from 2 submitters: Pathogenic (1); Likely pathogenic (1). Last evaluated 2023-04-18.

Conditions:
Bardet-Biedl syndrome 14 (BBS14). Identifiers: Orphanet 110, MedGen C2673874, MONDO:0014442, OMIM 615991.
Joubert syndrome. Also called: CEREBELLOPARENCHYMAL DISORDER IV; JOUBERT-BOLTSHAUSER SYNDROME; Familial aplasia of the vermis. Identifiers: Orphanet 475, MedGen C5979921, MONDO:0018772.
Nephronophthisis. Also called: Juvenile Nephronophthisis. Identifiers: Orphanet 655, MedGen C0687120, MONDO:0019005, HP:0000090.
Meckel-Gruber syndrome. Also called: DYSENCEPHALIA SPLANCHNOCYSTICA; GRUBER SYNDROME; Dysencephalia splachnocystica. Identifiers: Orphanet 564, MedGen C0265215, MONDO:0018921.

Submissions (2):

Labcorp Genetics (formerly Invitae), Labcorp
Classification: Pathogenic for Joubert syndrome; Meckel-Gruber syndrome; Nephronophthisis. Last evaluated: 2023-04-18. Review status: criteria provided, single submitter. Criteria: Invitae Variant Classification Sherloc (09022015). Collection method: clinical testing. Allele origin: germline.
Comment: For these reasons, this variant has been classified as Pathogenic. This variant has not been reported in the literature in individuals affected with CEP290-related conditions. This variant is not present in population databases (gnomAD no frequency). This sequence change creates a premature translational stop signal (p.Glu192Hisfs*33) in the CEP290 gene. It is expected to result in an absent or disrupted protein product. Loss-of-function variants in CEP290 are known to be pathogenic (PMID: 16909394, 17345604, 20690115).

Baylor Genetics
Classification: Likely pathogenic for Bardet-Biedl syndrome 14. Last evaluated: 2022-09-19. Review status: criteria provided, single submitter. Criteria: ACMG Guidelines, 2015. Collection method: clinical testing. Allele origin: unknown.

Literature cited by the submitters: PubMed 16909394 (cited by Labcorp Genetics (formerly Invitae), Labcorp); PubMed 17345604 (cited by Labcorp Genetics (formerly Invitae), Labcorp); PubMed 20690115 (cited by Labcorp Genetics (formerly Invitae), Labcorp).

NM_025114.4(CEP290):c.574_577del (p.Glu192fs)

Gene: CEP290 (centrosomal protein 290; minus strand). Cytogenetic location: 12q21.32.
Variant type: Microsatellite.
Coding change: c.574_577del on transcript NM_025114.4 (MANE Select); coding-DNA positions 574 to 577, 4 bases deleted (GAAA; older notation c.574_577delGAAA).
Protein change: p.Glu192fs; shifts the reading frame from glutamic acid 192.
Molecular consequence: frameshift variant.
Genome position (GRCh38, 1-based): chr12:88,130,360-88,130,363, TTTC deleted on the plus strand (GAAA on the coding strand, the reverse complement: CEP290 is on the minus strand); deleting any 4 consecutive bases within chr12:88,130,360-88,130,368 gives the same sequence; the c. name uses the placement nearest the transcript's 3' end. VCF-style (leftmost placement, unchanged base first): chr12-88130359-GTTTC-G. GRCh37 (hg19) VCF-style: chr12-88524136-GTTTC-G.
Other names: short protein forms E192fs.
Identifiers: ClinVar variation 2680648 (VCV002680648.4), dbSNP rs2501503340, ClinGen allele CA2695199147.
Genomic context (GRCh38, chr12:88,130,359, plus strand): 5'-TAGTTTTTTTTAGACAACTGTGATCGGTAGTCACTGTCTTCCCCTCTTCTTGATAAAAGT[GTTTC>G]TTTCTGTGAATCTATTTGTTTCTGGTAGTCAATAATATCCTGACAAAGTTGTTCATTCTG-3'